The following is an entry in ClinVar:

NM_006389.5(HYOU1):c.941A>T (p.Asn314Ile)

Gene: HYOU1 (hypoxia up-regulated 1; minus strand). Cytogenetic location: 11q23.3.
Variant type: single nucleotide variant.
Coding change: c.941A>T on transcript NM_006389.5 (MANE Select); coding-DNA position 941, A replaced by T.
Protein change: p.Asn314Ile; replaces asparagine 314 with isoleucine.
Molecular consequence: missense variant.
Genome position (GRCh38, 1-based): chr11:119,052,683, T>A on the plus strand (A>T on the coding strand, the complement: HYOU1 is on the minus strand). VCF-style: chr11-119052683-T-A. GRCh37 (hg19) VCF-style: chr11-118923395-T-A.
Other names: c.941A>T, p.Asn314Ile (NM_001130991.3, NM_001411041.1); c.941A>T (NM_006389.3); short protein forms N314I.
Identifiers: ClinVar variation 3605141 (VCV003605141.3).

ClinVar aggregate classification (germline): Uncertain significance. Review status: criteria provided, multiple submitters, no conflicts (2 of 4 stars). 2 submissions from 2 submitters: Uncertain significance (2). Last evaluated 2025-02-20.

Submissions (2):

Ambry Genetics
Classification: Uncertain significance. Last evaluated: 2025-02-20. Review status: criteria provided, single submitter. Criteria: Ambry Variant Classification Scheme 2023. Collection method: clinical testing. Allele origin: germline.

Labcorp Genetics (formerly Invitae), Labcorp
Classification: Uncertain significance. Last evaluated: 2024-01-31. Review status: criteria provided, single submitter. Criteria: Invitae Variant Classification Sherloc (09022015). Collection method: clinical testing. Allele origin: germline.
Comment: This sequence change replaces asparagine, which is neutral and polar, with isoleucine, which is neutral and non-polar, at codon 314 of the HYOU1 protein (p.Asn314Ile). This variant is present in population databases (rs782705694, gnomAD 0.007%). This variant has not been reported in the literature in individuals affected with HYOU1-related conditions. An algorithm developed to predict the effect of missense changes on protein structure and function (PolyPhen-2) suggests that this variant is likely to be disruptive. In summary, the available evidence is currently insufficient to determine the role of this variant in disease. Therefore, it has been classified as a Variant of Uncertain Significance.